The following continues an entry in ClinVar:

NM_000410.4(HFE):c.193A>T (p.Ser65Cys)

ClinVar aggregate classification (germline): Conflicting classifications of pathogenicity. Uncertain significance (9); Benign (2); Likely benign (4).

Submissions 12 to 18 of 18:

Institute of Human Genetics, University of Leipzig Medical Center
Classification: Uncertain significance for Hemochromatosis type 1. Last evaluated: 2021-12-07. Review status: criteria provided, single submitter. Criteria: ACMG Guidelines, 2015. Collection method: clinical testing. Allele origin: unknown. Affected: yes.
Comment: _x000D_This variant was identified as compound heterozygous with NM_000410.4:c.845G>A. Criteria applied: PM3, PP3, BS3_SUP

Fulgent Genetics
Classification: Uncertain significance for Alzheimer disease type 1; Familial porphyria cutanea tarda; Variegate porphyria; Hemochromatosis type 1; Microvascular complications of diabetes, susceptibility to, 7; TRANSFERRIN SERUM LEVEL QUANTITATIVE TRAIT LOCUS 2. Last evaluated: 2018-10-31. Review status: criteria provided, single submitter. Criteria: ACMG Guidelines, 2015. Collection method: clinical testing. Allele origin: unknown.

GeneDx
Classification: Benign. Last evaluated: 2018-10-19. Review status: criteria provided, single submitter. Criteria: GeneDx Variant Classification Process June 2021. Collection method: clinical testing. Allele origin: germline. Affected: yes.
Comment: This variant is associated with the following publications: (PMID: 10792295, 31664448, 31016714, 31028937, 29431110, 12377814, 28280078, 10194428, 19159930, 16132052, 10660483, 20301613, 27221532, 27173269, 26153218, 20107990, 21452290, 18542962, 17124037, 11336458, 27153395, 20981092, 19271219, 19681031)

Center for Genomics, Ann and Robert H. Lurie Children's Hospital of Chicago
Classification: Uncertain significance for Variegate porphyria; Microvascular complications of diabetes, susceptibility to, 7; Hemochromatosis type 1; Alzheimer disease type 1; TRANSFERRIN SERUM LEVEL QUANTITATIVE TRAIT LOCUS 2; Familial porphyria cutanea tarda. Review status: criteria provided, single submitter. Criteria: ACMG Guidelines, 2015. Collection method: clinical testing. Allele origin: germline.
Comment: HFE NM_000410.3 exon 2 p.Ser65Cys (c.193A>T): This variant has been reported in the literature in the heterozygous or compound heterozygous state in several individuals with hemochromatosis and is reported to be enriched in this population compared to controls (Mura 1999 PMID:10194428, Holstrom 2002 PMID:12377814). However, additional studies did not find this association (Arya 1999 PMID:10660483, Pendersen 2009 PMID:19159930). Some authors suggest that this variant may act as a risk allele or low penetrance variant when in trans with the Cys282Tyr or His63Asp variants (Wallace 2002 PMID:11943417, Le Gac 2005 PMID:16132052). This variant is also present in 1% (2891/282878) of total alleles in the Genome Aggregation Database, including 24 homozygotes. This variant is present in ClinVar (Variation ID:11). Evolutionary conservation and computational predictive tools suggest that this variant may impact the protein. In summary, data on this variant is insufficient for disease classification. Therefore, the clinical significance of this variant is uncertain

OMIM
Classification: Pathogenic for HEMOCHROMATOSIS, TYPE 1. Last evaluated: 1999-04-15. Review status: no assertion criteria provided. Collection method: literature only. Allele origin: germline. Not counted in ClinVar's aggregate classification.

Department of Pathology and Laboratory Medicine, Sinai Health System
Classification: Uncertain significance. Review status: no assertion criteria provided. Collection method: clinical testing. Allele origin: unknown. Affected: yes. Study: The Canadian Open Genetics Repository (COGR). Not counted in ClinVar's aggregate classification.
Comment: The HFE c.193A>T (p.Ser65Cys) variant was identified in the literature in multiple studies investigating the relationship between HFE variants and hemochromatosis or iron overload. A study of 711 patients with hemochromatosis found that the S65C variant was enriched in individuals with hemochromatosis in the absence of the two classical hemochromatosis variants (C282Y and H63D), with an affected frequency of 0.078 and a control frequency of 0.025. This study suggested that the S65C variant is associated with a mild form of hemochromatosis (Mura_1999_PMID:10194428). The p.S65C variant was also found in 14/296 patients with iron overload (freq=0.024) and 8/250 healthy controls (freq=0.016), suggesting that the variant may contribute to mild iron overload (Holmstrom_2002_PMID: 12377814). However, more recent studies have disputed the role of the S65C variant in hemochromatosis and iron status. A study of HFE polymorphisms in a Spanish Mediterranean population and another study of 6,020 Danish men both found no effect of the S65C variant on iron status (Aranda_2010_PMID: 20107990; Pedersen_2009_PMID:19159930). This variant was also identified in dbSNP (ID: rs1800730), ClinVar (classified as a VUS by Invitae and Illumina and as pathogenic by Blueprint Genetics for hereditary hemochromatosis) and LOVD 3.0, but was not reported in Cosmic. The variant was identified in control databases in 2891 of 282878 chromosomes (24 homozygous) at a frequency of 0.01022 increasing the likelihood this could be a low frequency benign variant (Genome Aggregation Database Feb 27, 2017). The variant was observed in the following populations: European (Finnish) in 537 of 25120 chromosomes (freq: 0.02138), European (non-Finnish) in 1977 of 129196 chromosomes (freq: 0.0153), Other in 72 of 7226 chromosomes (freq: 0.009964), Latino in 173 of 35440 chromosomes (freq: 0.004881), Ashkenazi Jewish in 35 of 10370 chromosomes (freq: 0.003375), African in 63 of 24958 chromosomes (freq: 0.002524), South Asian in 30 of 30616 chromosomes (freq: 0.00098), and East Asian in 4 of 19952 chromosomes (freq: 0.000201). The p.Ser65 residue is conserved in mammals but not in more distantly related organisms, and four out of five computational analyses (PolyPhen-2, SIFT, BLOSUM, MutationTaster) suggest that the variant may impact the protein; however, this information is not predictive enough to assume pathogenicity. The variant occurs outside of the splicing consensus sequence and in silico or computational prediction software programs (SpliceSiteFinder, MaxEntScan, NNSPLICE, GeneSplicer) do not predict a difference in splicing. In summary, based on the above information the clinical significance of this variant cannot be determined with certainty at this time. This variant is classified as a variant of uncertain significance, however we would suggest that this variant may be a risk factor for hemochromatosis.

GeneReviews
No classification provided. Condition: Hemochromatosis type 1. Review status: no classification provided. Collection method: literature only. Allele origin: germline. Not counted in ClinVar's aggregate classification.

Literature cited by the submitters: PubMed 16132052 (cited by Dasa); PubMed 12377814 (cited by Dasa and Women's Health and Genetics/Laboratory Corporation of America, LabCorp); PubMed 10194428 (cited by 3 submitters); PubMed 11943417 (cited by Dasa); PubMed 31335359 (cited by Center for Genomic Medicine, Rigshospitalet, Copenhagen University Hospital); PubMed 19159930 (cited by Women's Health and Genetics/Laboratory Corporation of America, LabCorp); PubMed 27173269 (cited by Women's Health and Genetics/Laboratory Corporation of America, LabCorp); PubMed 29404719 (cited by Women's Health and Genetics/Laboratory Corporation of America, LabCorp); PubMed 10660483 (cited by Women's Health and Genetics/Laboratory Corporation of America, LabCorp); PubMed 19681031 (cited by Women's Health and Genetics/Laboratory Corporation of America, LabCorp); PubMed 26153218 (cited by Victorian Clinical Genetics Services, Murdoch Childrens Research Institute); PubMed 11336458 (cited by OMIM); PubMed 21452290 (cited by GeneReviews).